The following is an entry in ClinVar:

ClinVar aggregate classification (germline): Benign/Likely benign. Review status: criteria provided, multiple submitters, no conflicts (2 of 4 stars). 5 submissions from 5 submitters: Benign (1); Likely benign (4). Last evaluated 2026-07-01.

Conditions:
Hereditary cancer-predisposing syndrome. Also called: Hereditary Cancer Syndrome; Tumor predisposition; Neoplastic Syndromes, Hereditary; Hereditary neoplastic syndrome. Identifiers: Orphanet 140162, MedGen C0027672, MeSH D009386, MONDO:0015356.
Colorectal cancer, susceptibility to, 12 (CRCS12). Also called: COLORECTAL CANCER, SUSCEPTIBILITY TO, ON CHROMOSOME 12q24. Identifiers: Orphanet 220460, MedGen C3554460, MONDO:0014038, OMIM 615083.

Allele frequency attached by ClinVar (database versions not stated): gnomAD exomes below 0.00001 and 0.00002; TOPMed 0.00002; gnomAD 0.00003.
gnomAD v4.1: 17 of 1,612,930 alleles (0.0011%); highest among the groups gnomAD compares: Non-Finnish European, 0.0014%; no homozygotes.

Submissions (5):

CeGaT Center for Human Genetics Tuebingen
Classification: Likely benign. Last evaluated: 2026-07-01. Review status: criteria provided, single submitter. Criteria: CeGaT Center For Human Genetics Tuebingen Variant Classification Criteria Version 2. Collection method: clinical testing. Allele origin: germline. Affected: yes. Observed: 2 variant alleles.
Comment: POLE: BP4, BP7

Labcorp Genetics (formerly Invitae), Labcorp
Classification: Likely benign. Last evaluated: 2026-01-12. Review status: criteria provided, single submitter. Criteria: Invitae Variant Classification Sherloc (09022015). Collection method: clinical testing. Allele origin: germline.

Center for Genomic Medicine, Rigshospitalet, Copenhagen University Hospital
Classification: Likely benign. Last evaluated: 2025-03-04. Review status: criteria provided, single submitter. Criteria: ACMG Guidelines, 2015. Collection method: clinical testing. Allele origin: germline.

Myriad Genetics, Inc.
Classification: Benign for Colorectal cancer, susceptibility to, 12. Last evaluated: 2025-02-11. Review status: criteria provided, single submitter. Criteria: Myriad Autosomal Dominant, Autosomal Recessive and X-Linked Classification Criteria (2023). Collection method: clinical testing. Allele origin: unknown.
Comment: This variant is considered benign. This variant is a silent/synonymous amino acid change and it is not expected to impact splicing.

Ambry Genetics
Classification: Likely benign for Hereditary cancer-predisposing syndrome. Last evaluated: 2015-11-17. Review status: criteria provided, single submitter. Criteria: Ambry Variant Classification Scheme 2023. Collection method: clinical testing. Allele origin: germline.

NM_006231.4(POLE):c.1389T>C (p.Ala463=)

Gene: POLE (DNA polymerase epsilon, catalytic subunit; minus strand). Cytogenetic location: 12q24.33.
Variant type: single nucleotide variant.
Coding change: c.1389T>C on transcript NM_006231.4 (MANE Select); coding-DNA position 1389, T replaced by C.
Protein change: p.Ala463=; no amino-acid change (alanine 463 retained).
Molecular consequence: synonymous variant.
Genome position (GRCh38, 1-based): chr12:132,673,248, A>G on the plus strand (T>C on the coding strand, the complement: POLE is on the minus strand). VCF-style: chr12-132673248-A-G. GRCh37 (hg19) VCF-style: chr12-133249834-A-G.
Identifiers: ClinVar variation 819085 (VCV000819085.36), dbSNP rs1014643567, ClinGen allele CA246294171.
Genomic context (GRCh38, chr12:132,673,248, plus strand): 5'-GGTGCACAGAGCAAAGATGAATGGGTGGACGTACTTCATGTACAGGTAGTAAGTGGCGAC[A>G]GCATCTGACACAGAATACGTGGCCAGAGTCTGAGGAGAGAACGCCAGAGAGCAGGGCCAT-3'
Protein context (NP_006222.2, residues 453-473): QTLATYSVSD[Ala463=]VATYYLYMKY